The following is an entry in ClinVar:

NM_001130987.2(DYSF):c.4614del (p.Phe1538fs)

Gene: DYSF (dysferlin; plus strand). Cytogenetic location: 2p13.2.
Variant type: Deletion.
Coding change: c.4614del on transcript NM_001130987.2 (MANE Select); coding-DNA position 4614, one base deleted (T; older notation c.4614delT).
Protein change: p.Phe1538fs; shifts the reading frame from phenylalanine 1538.
Molecular consequence: frameshift variant.
Genome position (GRCh38, 1-based): chr2:71,644,051, T deleted; the last of 4 consecutive T bases (chr2:71,644,048-71,644,051); deleting any one gives the same sequence. VCF-style (leftmost placement, unchanged base first): chr2-71644047-AT-A. GRCh37 (hg19) VCF-style: chr2-71871177-AT-A.
Other names: NM_001130987.2(DYSF):c.4614del; p.Phe1538fs; c.4455del, p.Phe1485fs (NM_001130976.2); c.4518del, p.Phe1506fs (NM_001130977.2); c.4560del, p.Phe1520fs (NM_001130978.2); c.4458del, p.Phe1486fs (NM_001130986.2); c.4497del, p.Phe1499fs (NM_003494.4); c.4590del, p.Phe1530fs (NM_001130979.2); and 7 more; short protein forms F1485fs, F1531fs, F1506fs, F1530fs, F1486fs, F1516fs, F1517fs, F1520fs.
Identifiers: ClinVar variation 283205 (VCV000283205.6), dbSNP rs886042578, ClinGen allele CA10604426.

ClinVar aggregate classification (germline): Pathogenic. Review status: reviewed by expert panel (3 of 4 stars). 2 submissions from 2 submitters: Pathogenic (1). 1 of the submissions does not count toward it. Last evaluated 2025-01-08.

Conditions:
Autosomal recessive limb-girdle muscular dystrophy. Identifiers: Orphanet 102015, MedGen C2931907, MONDO:0015152.

Submissions (2):

ClinGen Limb Girdle Muscular Dystrophy Variant Curation Expert Panel, ClinGen
Classification: Pathogenic for Autosomal recessive limb-girdle muscular dystrophy. Last evaluated: 2025-01-08. Review status: reviewed by expert panel. Criteria: ClinGen LGMD VCEP ACMG Specifications DYSF V1.0.0. Collection method: curation. Allele origin: germline. Inheritance: Autosomal recessive inheritance.
Comment: The NM_003494.4: c.4497del p.(Phe1499LeufsTer4) variant in DYSF, which is also known as NM_001130987.2: c.4614del p.(Phe1538LeufsTer4), is a frameshift variant predicted to cause a premature stop codon in biologically relevant exon 41/55 leading to nonsense mediated decay in a gene in which loss of function is an established disease mechanism (PVS1). In the literature, this variant has also been described as c.4870delT. This variant has been detected in at least eight unrelated individuals with limb girdle muscular dystrophy (PMID: 23243261, 12796534, 17070050, 27647186, 26088049, 17614318). Among these individuals, it was identified in a homozygous state in three patients (1.0 pts, PMID: 26088049, 17614318, 12796534) and in trans with a pathogenic variant in at least one patient (c.2643+1G>A, 1.0 pt, PMID: 23243261) (PM3_Strong). At least one patient with this variant displayed progressive limb-girdle muscle weakness and absent dysferlin protein expression, which is highly specific for DYSF-associated LGMD (PP4_Strong, PMID: 27647186, 17070050). The variant was also reported to co-segregate with the disease in three affected family members from one family (PMID: 17614318) (PP1, capped with PP4_Strong). This variant is absent from gnomAD v2.1.1 and v3.1.2 (PM2_Supporting). In summary, this variant meets the criteria to be classified as Pathogenic for autosomal recessive limb girdle muscular dystrophy based on the ACMG/AMP criteria applied, as specified by the ClinGen LGMD VCEP (LGMD VCEP specifications version 1.0.0; 01/08/2025): PVS1, PM3_Strong, PP4_Strong, PP1, PM2_Supporting.

Eurofins Ntd Llc (ga)
Classification: Pathogenic. Last evaluated: 2017-03-04. Review status: criteria provided, single submitter. Criteria: EGL Classification Definitions 2015. Collection method: clinical testing. Allele origin: germline. Observed: 3 variant alleles, 3 heterozygotes. Not counted in ClinVar's aggregate classification.

Literature cited by the submitters: PubMed 12796534 (cited by Eurofins Ntd Llc (ga)); PubMed 23243261 (cited by Eurofins Ntd Llc (ga)).